The following is an entry in ClinVar:

ClinVar aggregate classification (germline): Pathogenic (1 of 4 stars; one submission).

Conditions:
PURA-related severe neonatal hypotonia-seizures-encephalopathy syndrome (NEDRIHF). Also called: NEURODEVELOPMENTAL DISORDER WITH NEONATAL RESPIRATORY INSUFFICIENCY, HYPOTONIA, AND FEEDING DIFFICULTIES; PURA-Related Neurodevelopmental Disorders. Identifiers: Orphanet 438213, Orphanet 438216, MedGen C4015357, MONDO:1060108, OMIM 616158, MONDO:0018580.

Submission:

Labcorp Genetics (formerly Invitae), Labcorp
Classification: Pathogenic for PURA-related severe neonatal hypotonia-seizures-encephalopathy syndrome. Last evaluated: 2021-08-04. Review status: criteria provided, single submitter. Criteria: Invitae Variant Classification Sherloc (09022015). Collection method: clinical testing. Allele origin: germline.
Comment: A gross deletion of the genomic region encompassing the full coding sequence of the PURA gene has been identified. Loss-of-function variants in PURA are known to be pathogenic (PMID: 29097605). The boundaries of this event are unknown as they extend beyond the assayed region for this gene and therefore may encompass additional genes. Isolated whole-gene deletions of PURA have not been reported in the literature. However, larger copy number events that include this gene have been reported (PMID: 23950017, 29619234). For these reasons, this variant has been classified as Pathogenic.

Literature cited by the submitters: PubMed 29097605; PubMed 23950017; PubMed 29619234.

NC_000005.10:g.(?_140114162)_(140115170_?)del

Gene: PURA (purine rich element binding protein A; plus strand). Cytogenetic location: 5q31.2.
Variant type: Deletion.
Identifiers: ClinVar variation 831076 (VCV000831076.8).